The following is an entry in ClinVar:

ClinVar aggregate classification (germline): Uncertain significance (1 of 4 stars; one submission).

Conditions:
Developmental and epileptic encephalopathy, 34 (DEE34). Also called: SLC12A5-Related Epilepsy of Infancy with Migrating Focal Seizures; Early infantile epileptic encephalopathy 34. Identifiers: Orphanet 293181, MedGen C4225257, MONDO:0014718, OMIM 616645.

Submission:

Labcorp Genetics (formerly Invitae), Labcorp
Classification: Uncertain significance for Developmental and epileptic encephalopathy, 34. Last evaluated: 2025-01-15. Review status: criteria provided, single submitter. Criteria: Invitae Variant Classification Sherloc (09022015). Collection method: clinical testing. Allele origin: germline.
Comment: This sequence change replaces histidine, which is basic and polar, with asparagine, which is neutral and polar, at codon 719 of the SLC12A5 protein (p.His719Asn). This variant is not present in population databases (gnomAD no frequency). This variant has not been reported in the literature in individuals affected with SLC12A5-related conditions. ClinVar contains an entry for this variant (Variation ID: 1035492). Invitae Evidence Modeling of protein sequence and biophysical properties (such as structural, functional, and spatial information, amino acid conservation, physicochemical variation, residue mobility, and thermodynamic stability) indicates that this missense variant is not expected to disrupt SLC12A5 protein function with a negative predictive value of 80%. In summary, the available evidence is currently insufficient to determine the role of this variant in disease. Therefore, it has been classified as a Variant of Uncertain Significance.

NM_020708.5(SLC12A5):c.2155C>A (p.His719Asn)

Gene: SLC12A5 (solute carrier family 12 member 5; plus strand). Cytogenetic location: 20q13.12.
Variant type: single nucleotide variant.
Coding change: c.2155C>A on transcript NM_020708.5 (MANE Select); coding-DNA position 2155, C replaced by A.
Protein change: p.His719Asn; replaces histidine 719 with asparagine.
Molecular consequence: missense variant.
Genome position (GRCh38, 1-based): chr20:46,049,764, C>A. VCF-style: chr20-46049764-C-A. GRCh37 (hg19) VCF-style: chr20-44678403-C-A.
Other names: c.2224C>A, p.His742Asn (NM_001134771.2); short protein forms H719N, H742N.
Identifiers: ClinVar variation 1035492 (VCV001035492.11), dbSNP rs2084631866, ClinGen allele CA409202669.